The following is an entry in ClinVar:

ClinVar aggregate classification (germline): Likely benign (1 of 4 stars; one submission).

Conditions:
FLNB-related disorder. Also called: FLNB-related condition; FLNB-related disorders. Identifiers: MedGen CN381095.

Submission:

PreventionGenetics, part of Exact Sciences
Classification: Likely benign for FLNB-related condition. Last evaluated: 2026-08-29. Review status: criteria provided, single submitter. Criteria: ACMG Guidelines, 2015. Collection method: clinical testing. Allele origin: germline.
Comment: This variant is classified as likely benign based on ACMG/AMP sequence variant interpretation guidelines (Richards et al. 2015 PMID: 25741868, with internal and published modifications).

NM_001457.4(FLNB):c.5728+6G>T

Gene: FLNB (filamin B; plus strand). Cytogenetic location: 3p14.3.
Variant type: single nucleotide variant.
Coding change: c.5728+6G>T on transcript NM_001457.4 (MANE Select); 6 bases into the intron after coding-DNA position 5728, G replaced by T.
Molecular consequence: intron variant.
Genome position (GRCh38, 1-based): chr3:58,146,999, G>T. VCF-style: chr3-58146999-G-T. GRCh37 (hg19) VCF-style: chr3-58132726-G-T.
Other names: c.5821+6G>T (NM_001164317.2); c.5695+6G>T (NM_001164318.2); c.5656+6G>T (NM_001164319.2).
Identifiers: ClinVar variation 4993606 (VCV004993606.1).